The following is an entry in ClinVar:

ClinVar aggregate classification (germline): Likely benign (0 of 4 stars; one submission).

Conditions:
HAND2-related disorder. Also called: HAND2-related condition.

Allele frequency attached by ClinVar (database versions not stated): TOPMed below 0.00001; ExAC 0.00001; gnomAD 0.00001; gnomAD exomes 0.00001.
gnomAD v4.1: 8 of 1,613,440 alleles (0.0005%); highest among the groups gnomAD compares: Admixed American, 0.013%; no homozygotes.

Submission:

PreventionGenetics, part of Exact Sciences
Classification: Likely benign for HAND2-related condition. Last evaluated: 2023-03-16. Review status: no assertion criteria provided. Collection method: clinical testing. Allele origin: germline.
Comment: This variant is classified as likely benign based on ACMG/AMP sequence variant interpretation guidelines (Richards et al. 2015 PMID: 25741868, with internal and published modifications).

NM_021973.3(HAND2):c.324G>A (p.Glu108=)

Genes: HAND2 (heart and neural crest derivatives expressed 2; minus strand), HAND2-AS1 (HAND2 antisense RNA 1; plus strand). Cytogenetic location: 4q34.1.
Variant type: single nucleotide variant.
Coding change: c.324G>A on transcript NM_021973.3 (MANE Select); coding-DNA position 324, G replaced by A.
Protein change: p.Glu108=; no amino-acid change (glutamic acid 108 retained).
Molecular consequence: synonymous variant.
Genome position (GRCh38, 1-based): chr4:173,528,966, C>T on the plus strand (G>A on the coding strand, the complement: HAND2 is on the minus strand). VCF-style: chr4-173528966-C-T. GRCh37 (hg19) VCF-style: chr4-174450117-C-T.
Identifiers: ClinVar variation 3036281 (VCV003036281.2), dbSNP rs775523513, ClinGen allele CA3141307.